The following is an entry in ClinVar:

ClinVar aggregate classification (germline): Uncertain significance (1 of 4 stars; one submission).

Conditions:
Dyskeratosis congenita, autosomal recessive 6 (DKCB6). Identifiers: MedGen C4225356, MONDO:0014600, OMIM 616353.
Pulmonary fibrosis and/or bone marrow failure, Telomere-related, 4. Also called: PULMONARY FIBROSIS AND/OR BONE MARROW FAILURE SYNDROME, TELOMERE-RELATED, 4. Identifiers: Orphanet 2032, MedGen C4225347, MONDO:0014612, OMIM 616371.

Submission:

Labcorp Genetics (formerly Invitae), Labcorp
Classification: Uncertain significance for Dyskeratosis congenita, autosomal recessive 6; Pulmonary fibrosis and/or bone marrow failure, Telomere-related, 4. Last evaluated: 2022-05-25. Review status: criteria provided, single submitter. Criteria: Invitae Variant Classification Sherloc (09022015). Collection method: clinical testing. Allele origin: germline.
Comment: In summary, the available evidence is currently insufficient to determine the role of this variant in disease. Therefore, it has been classified as a Variant of Uncertain Significance. Algorithms developed to predict the effect of missense changes on protein structure and function output the following: SIFT: "Tolerated"; PolyPhen-2: "Benign"; Align-GVGD: "Class C0". The leucine amino acid residue is found in multiple mammalian species, which suggests that this missense change does not adversely affect protein function. This variant has not been reported in the literature in individuals affected with PARN-related conditions. This variant is present in population databases (no rsID available, gnomAD 0.0009%). This sequence change replaces phenylalanine, which is neutral and non-polar, with leucine, which is neutral and non-polar, at codon 400 of the PARN protein (p.Phe400Leu).

NM_002582.4(PARN):c.1200T>A (p.Phe400Leu)

Gene: PARN (poly(A)-specific ribonuclease; minus strand). Cytogenetic location: 16p13.12.
Variant type: single nucleotide variant.
Coding change: c.1200T>A on transcript NM_002582.4 (MANE Select); coding-DNA position 1200, T replaced by A.
Protein change: p.Phe400Leu; replaces phenylalanine 400 with leucine.
Molecular consequence: missense variant.
Genome position (GRCh38, 1-based): chr16:14,580,936, A>T on the plus strand (T>A on the coding strand, the complement: PARN is on the minus strand). VCF-style: chr16-14580936-A-T. GRCh37 (hg19) VCF-style: chr16-14674793-A-T.
Other names: c.1017T>A, p.Phe339Leu (NM_001134477.3); c.1062T>A, p.Phe354Leu (NM_001242992.2); short protein forms F354L, F400L, F339L.
Identifiers: ClinVar variation 1998401 (VCV001998401.4), dbSNP rs1181755378, ClinGen allele CA394822110.